The following is an entry in ClinVar:

NM_005591.4(MRE11):c.707A>G (p.Asp236Gly)

Gene: MRE11 (MRE11 double strand break repair nuclease; minus strand). Cytogenetic location: 11q21.
Variant type: single nucleotide variant.
Coding change: c.707A>G on transcript NM_005591.4 (MANE Select); coding-DNA position 707, A replaced by G.
Protein change: p.Asp236Gly; replaces aspartic acid 236 with glycine.
Molecular consequence: missense variant.
Genome position (GRCh38, 1-based): chr11:94,471,712, T>C on the plus strand (A>G on the coding strand, the complement: MRE11 is on the minus strand). VCF-style: chr11-94471712-T-C. GRCh37 (hg19) VCF-style: chr11-94204878-T-C.
Other names: c.707A>G, p.Asp236Gly (NM_001330347.2, NM_005590.4); short protein forms D236G.
Identifiers: ClinVar variation 2447002 (VCV002447002.5), dbSNP rs1591695442, ClinGen allele CA382375858.

ClinVar aggregate classification (germline): Uncertain significance. Review status: criteria provided, multiple submitters, no conflicts (2 of 4 stars). 2 submissions from 2 submitters: Uncertain significance (2). Last evaluated 2023-10-23.

Conditions:
Ataxia-telangiectasia-like disorder (ATLD). Identifiers: MedGen C1858391, MONDO:0011457.
Hereditary cancer-predisposing syndrome. Also called: Neoplastic Syndromes, Hereditary; Hereditary Cancer Syndrome; Tumor predisposition; Hereditary neoplastic syndrome. Identifiers: Orphanet 140162, MedGen C0027672, MeSH D009386, MONDO:0015356.

Submissions (2):

Labcorp Genetics (formerly Invitae), Labcorp
Classification: Uncertain significance for Ataxia-telangiectasia-like disorder. Last evaluated: 2023-10-23. Review status: criteria provided, single submitter. Criteria: Invitae Variant Classification Sherloc (09022015). Collection method: clinical testing. Allele origin: germline.
Comment: This sequence change replaces aspartic acid, which is acidic and polar, with glycine, which is neutral and non-polar, at codon 236 of the MRE11 protein (p.Asp236Gly). This variant is not present in population databases (gnomAD no frequency). This variant has not been reported in the literature in individuals affected with MRE11-related conditions. ClinVar contains an entry for this variant (Variation ID: 2447002). An algorithm developed to predict the effect of missense changes on protein structure and function (PolyPhen-2) suggests that this variant is likely to be tolerated. In summary, the available evidence is currently insufficient to determine the role of this variant in disease. Therefore, it has been classified as a Variant of Uncertain Significance.

Ambry Genetics
Classification: Uncertain significance for Hereditary cancer-predisposing syndrome. Last evaluated: 2022-11-23. Review status: criteria provided, single submitter. Criteria: Ambry Variant Classification Scheme 2023. Collection method: clinical testing. Allele origin: germline.
Comment: The p.D236G variant (also known as c.707A>G), located in coding exon 7 of the MRE11A gene, results from an A to G substitution at nucleotide position 707. The aspartic acid at codon 236 is replaced by glycine, an amino acid with similar properties. This amino acid position is conserved. In addition, the in silico prediction for this alteration is inconclusive. Since supporting evidence is limited at this time, the clinical significance of this alteration remains unclear.